The following is an entry in ClinVar:

NM_005562.3(LAMC2):c.2420del (p.Ser807fs)

Gene: LAMC2 (laminin subunit gamma 2; plus strand). Cytogenetic location: 1q25.3.
Variant type: Deletion.
Coding change: c.2420del on transcript NM_005562.3 (MANE Select); coding-DNA position 2420, one base deleted (G; older notation c.2420delG).
Protein change: p.Ser807fs; shifts the reading frame from serine 807.
Molecular consequence: frameshift variant.
Genome position (GRCh38, 1-based): chr1:183,235,694, G deleted. VCF-style (leftmost placement, unchanged base first): chr1-183235693-AG-A. GRCh37 (hg19) VCF-style: chr1-183204828-AG-A.
Other names: c.2420del, p.Ser807fs (NM_018891.3); short protein forms S807fs.
Identifiers: ClinVar variation 1075862 (VCV001075862.8), dbSNP rs2102245341, ClinGen allele CA2499214339.

ClinVar aggregate classification (germline): Pathogenic. Review status: criteria provided, multiple submitters, no conflicts (2 of 4 stars). 2 submissions from 2 submitters: Pathogenic (2). Last evaluated 2024-11-13.

Conditions:
Junctional epidermolysis bullosa. Identifiers: Orphanet 305, MedGen C0079301, MONDO:0017612.

Submissions (2):

Myriad Genetics, Inc.
Classification: Pathogenic for Junctional epidermolysis bullosa. Last evaluated: 2024-11-13. Review status: criteria provided, single submitter. Criteria: Myriad Autosomal Dominant, Autosomal Recessive and X-Linked Classification Criteria (2023). Collection method: clinical testing. Allele origin: unknown.
Comment: NM_005562.2(LAMC2):c.2420delG(S807Tfs*24) is expected to be pathogenic in the context of junctional epidermolysis bullosa, LAMC2-related. This variant is predicted to lead to an abnormal or absent protein product due to the creation of a premature termination codon in LAMC2, a gene where loss-of-function variants are known to be pathogenic. Please note: this variant was assessed in the context of healthy population screening.

Labcorp Genetics (formerly Invitae), Labcorp
Classification: Pathogenic. Last evaluated: 2022-04-14. Review status: criteria provided, single submitter. Criteria: Invitae Variant Classification Sherloc (09022015). Collection method: clinical testing. Allele origin: germline.
Comment: This sequence change creates a premature translational stop signal (p.Ser807Thrfs*24) in the LAMC2 gene. It is expected to result in an absent or disrupted protein product. Loss-of-function variants in LAMC2 are known to be pathogenic (PMID: 11907499, 16473856). For these reasons, this variant has been classified as Pathogenic. ClinVar contains an entry for this variant (Variation ID: 1075862). This variant has not been reported in the literature in individuals affected with LAMC2-related conditions. This variant is not present in population databases (gnomAD no frequency).

Literature cited by the submitters: PubMed 11907499 (cited by Labcorp Genetics (formerly Invitae), Labcorp); PubMed 16473856 (cited by Labcorp Genetics (formerly Invitae), Labcorp).